The following is an entry in ClinVar:

NM_000458.4(HNF1B):c.906C>A (p.Asn302Lys)

Gene: HNF1B (HNF1 homeobox B; minus strand). Cytogenetic location: 17q12.
Variant type: single nucleotide variant.
Coding change: c.906C>A on transcript NM_000458.4 (MANE Select); coding-DNA position 906, C replaced by A.
Protein change: p.Asn302Lys; replaces asparagine 302 with lysine.
Molecular consequence: missense variant.
Genome position (GRCh38, 1-based): chr17:37,731,734, G>T on the plus strand (C>A on the coding strand, the complement: HNF1B is on the minus strand). VCF-style: chr17-37731734-G-T. GRCh37 (hg19) VCF-style: chr17-36091725-G-T.
Other names: c.828C>A, p.Asn276Lys (NM_001165923.4, NM_001304286.2); short protein forms N302K, N276K.
Identifiers: ClinVar variation 635626 (VCV000635626.1), dbSNP rs2511801571, ClinGen allele CA398746779.

ClinVar aggregate classification (germline): Likely pathogenic (1 of 4 stars; one submission).

Conditions:
Renal cysts and diabetes syndrome (RCAD). Also called: Familial hypoplastic, glomerulocystic kidney; MATURITY-ONSET DIABETES OF THE YOUNG, TYPE 5. Identifiers: Orphanet 93111, MedGen C0431693, MONDO:0007669, OMIM 137920.

Submission:

Institute of Human Genetics, FAU Erlangen, Friedrich-Alexander-Universität Erlangen-Nürnberg
Classification: Likely pathogenic for Renal cysts and diabetes syndrome. Last evaluated: 2019-07-06. Review status: criteria provided, single submitter. Criteria: ACMG Guidelines, 2015. Collection method: literature only. Allele origin: germline. Affected: yes.
Comment: This variant and it's classification has been reported by Vasileiou et al. 2019; DOI:10.1101/576918. The variants has previously been reported in PMID:25700310; PMID:20378641; PMID:25536396 as "c.906C>A, codon 766; c.906C>A" with clinical significance Pathogenic. It has been re-classified using InterVar and manual curation as Likely pathogenic based on PM1 PM2 PP3 PP5.

Literature cited by the submitters: PubMed 25700310; PubMed 20378641; PubMed 25536396; DOI 10.1101/576918.